The following is an entry in ClinVar:

NM_000059.4(BRCA2):c.8807T>A (p.Leu2936Ter)

Gene: BRCA2 (BRCA2 DNA repair associated; plus strand). Cytogenetic location: 13q13.1.
Variant type: single nucleotide variant.
Coding change: c.8807T>A on transcript NM_000059.4 (MANE Select); coding-DNA position 8807, T replaced by A.
Protein change: p.Leu2936Ter; replaces leucine 2936 with a stop codon.
Molecular consequence: nonsense.
Genome position (GRCh38, 1-based): chr13:32,379,369, T>A. VCF-style: chr13-32379369-T-A. GRCh37 (hg19) VCF-style: chr13-32953506-T-A.
Other names: short protein forms L2936*.
Identifiers: ClinVar variation 1331744 (VCV001331744.2), dbSNP rs398122714, ClinGen allele CA387756035.

ClinVar aggregate classification (germline): Pathogenic (1 of 4 stars; one submission).

Conditions:
Hereditary cancer-predisposing syndrome. Also called: Tumor predisposition; Hereditary Cancer Syndrome; Neoplastic Syndromes, Hereditary; Hereditary neoplastic syndrome. Identifiers: Orphanet 140162, MedGen C0027672, MeSH D009386, MONDO:0015356.

Submission:

Color Diagnostics, LLC DBA Color Health
Classification: Pathogenic for Hereditary cancer-predisposing syndrome. Last evaluated: 2021-04-19. Review status: criteria provided, single submitter. Criteria: ACMG Guidelines, 2015. Collection method: clinical testing. Allele origin: germline.
Comment: This variant changes 1 nucleotide in exon 22 of the BRCA2 gene, creating a premature translation stop signal. This variant is expected to result in an absent or non-functional protein product. To our knowledge, this variant has not been reported in individuals affected with hereditary cancer in the literature. This variant has not been identified in the general population by the Genome Aggregation Database (gnomAD). Loss of BRCA2 function is a known mechanism of disease. Based on the available evidence, this variant is classified as Pathogenic.